The following is an entry in ClinVar:

ClinVar aggregate classification (germline): Benign/Likely benign. Review status: criteria provided, multiple submitters, no conflicts (2 of 4 stars). 5 submissions from 5 submitters: Benign (3); Likely benign (2). Last evaluated 2026-02-01.

Conditions:
Primary ciliary dyskinesia. Also called: Ciliary dyskinesia. Identifiers: Orphanet 244, MedGen C0008780, MONDO:0016575, HP:0012265.

Allele frequency attached by ClinVar (database versions not stated): gnomAD exomes 0.00053 and 0.00122; ExAC 0.00278; gnomAD 0.00425 and 0.00445; ESP Exome Variant Server 0.00459; TOPMed 0.00499; 1000 Genomes Project 0.00539; 1000 Genomes Project 30x 0.00625.
gnomAD v4.1: 1,417 of 1,600,040 alleles (0.089%); highest among the groups gnomAD compares: African/African-American, 1.5%; 12 homozygotes.

Submissions (5):

Labcorp Genetics (formerly Invitae), Labcorp
Classification: Benign for Primary ciliary dyskinesia. Last evaluated: 2026-02-01. Review status: criteria provided, single submitter. Criteria: Invitae Variant Classification Sherloc (09022015). Collection method: clinical testing. Allele origin: germline.

Blueprint Genetics
Classification: Likely benign. Last evaluated: 2024-08-06. Review status: criteria provided, single submitter. Criteria: ACMG Guidelines, 2015. Collection method: clinical testing. Allele origin: germline.

Ambry Genetics
Classification: Likely benign for Primary ciliary dyskinesia. Last evaluated: 2015-12-19. Review status: criteria provided, single submitter. Criteria: Ambry Variant Classification Scheme 2023. Collection method: clinical testing. Allele origin: germline.

Laboratory for Molecular Medicine, Mass General Brigham Personalized Medicine
Classification: Benign. Last evaluated: 2013-02-21. Review status: criteria provided, single submitter. Criteria: LMM Criteria. Collection method: clinical testing. Allele origin: germline. Observed: 1 variant allele.
Comment: 10027-10T>C in intron 61 of DNAH11: This variant is not expected to have clinica l significance because it has been identified in 1.4% (53/3748) of African Ameri can chromosomes from a broad population by the NHLBI Exome Sequencing Project (dbSNP rs116368970).

PreventionGenetics, part of Exact Sciences
Classification: Benign. Review status: criteria provided, single submitter. Criteria: ACMG Guidelines, 2015. Collection method: clinical testing. Allele origin: germline.

NM_001277115.2(DNAH11):c.10027-10T>C

Gene: DNAH11 (dynein axonemal heavy chain 11; plus strand). Cytogenetic location: 7p15.3.
Variant type: single nucleotide variant.
Coding change: c.10027-10T>C on transcript NM_001277115.2 (MANE Select); 10 bases into the intron before coding-DNA position 10027, T replaced by C.
Molecular consequence: intron variant.
Genome position (GRCh38, 1-based): chr7:21,801,127, T>C. VCF-style: chr7-21801127-T-C. GRCh37 (hg19) VCF-style: chr7-21840745-T-C.
Identifiers: ClinVar variation 226578 (VCV000226578.18), dbSNP rs116368970, ClinGen allele CA4182207.